The following is an entry in ClinVar:

NM_001201427.2(DAAM2):c.52G>A (p.Gly18Arg)

Gene: DAAM2 (dishevelled associated activator of morphogenesis 2; plus strand). Cytogenetic location: 6p21.2.
Variant type: single nucleotide variant.
Coding change: c.52G>A on transcript NM_001201427.2 (MANE Select); coding-DNA position 52, G replaced by A.
Protein change: p.Gly18Arg; replaces glycine 18 with arginine.
Molecular consequence: missense variant.
Genome position (GRCh38, 1-based): chr6:39,856,354, G>A. VCF-style: chr6-39856354-G-A. GRCh37 (hg19) VCF-style: chr6-39824130-G-A.
Other names: NC_000006.11:g.39824130G>A; c.52G>A, p.Gly18Arg (NM_015345.4); short protein forms G18R.
Identifiers: ClinVar variation 771395 (VCV000771395.6), dbSNP rs199767843, ClinGen allele CA3794596.

ClinVar aggregate classification (germline): Benign. Review status: criteria provided, single submitter (1 of 4 stars). 2 submissions from 2 submitters: Benign (1). 1 of the submissions does not count toward it. Last evaluated 2018-03-07.

Conditions:
DAAM2-related disorder. Also called: DAAM2-related condition.

Allele frequency attached by ClinVar (database versions not stated): TOPMed 0.00334; ESP Exome Variant Server 0.00348; gnomAD exomes 0.00408; ExAC 0.00935; 1000 Genomes Project 0.00040; 1000 Genomes Project 30x 0.00047.
gnomAD v4.1: 7,357 of 1,553,092 alleles (0.47%); highest among the groups gnomAD compares: Middle Eastern, 0.69%; 25 homozygotes.

Submissions (11):

Labcorp Genetics (formerly Invitae), Labcorp
Classification: Benign. Last evaluated: 2018-03-07. Review status: criteria provided, single submitter. Criteria: Invitae Variant Classification Sherloc (09022015). Collection method: clinical testing. Allele origin: germline.

PreventionGenetics, part of Exact Sciences
Classification: Likely benign for DAAM2-related condition. Last evaluated: 2019-02-19. Review status: no assertion criteria provided. Collection method: clinical testing. Allele origin: germline. Not counted in ClinVar's aggregate classification.
Comment: This variant is classified as likely benign based on ACMG/AMP sequence variant interpretation guidelines (Richards et al. 2015 PMID: 25741868, with internal and published modifications).

Dr. Peter K. Rogan Lab, Western University
No classification provided (evidence only). Condition: Malignant tumor of urinary bladder. Review status: no classification provided. Collection method: in vitro. Allele origin: not applicable. Functional consequence: retained intron. Not counted in ClinVar's aggregate classification.

Dr. Peter K. Rogan Lab, Western University
No classification provided (evidence only). Condition: Malignant tumor of urinary bladder. Review status: no classification provided. Collection method: in vitro. Allele origin: not applicable. Functional consequence: retained intron. Not counted in ClinVar's aggregate classification.

Dr. Peter K. Rogan Lab, Western University
No classification provided (evidence only). Condition: Familial cancer of breast. Review status: no classification provided. Collection method: in vitro. Allele origin: not applicable. Functional consequence: retained intron. Not counted in ClinVar's aggregate classification.

Dr. Peter K. Rogan Lab, Western University
No classification provided (evidence only). Condition: Thyroid cancer, nonmedullary, 1. Review status: no classification provided. Collection method: in vitro. Allele origin: not applicable. Functional consequence: retained intron. Not counted in ClinVar's aggregate classification.

Dr. Peter K. Rogan Lab, Western University
No classification provided (evidence only). Condition: Thyroid cancer, nonmedullary, 1. Review status: no classification provided. Collection method: in vitro. Allele origin: not applicable. Functional consequence: retained intron. Not counted in ClinVar's aggregate classification.

Dr. Peter K. Rogan Lab, Western University
No classification provided (evidence only). Condition: Thyroid cancer, nonmedullary, 1. Review status: no classification provided. Collection method: in vitro. Allele origin: not applicable. Functional consequence: retained intron. Not counted in ClinVar's aggregate classification.

Dr. Peter K. Rogan Lab, Western University
No classification provided (evidence only). Condition: Cervical cancer. Review status: no classification provided. Collection method: in vitro. Allele origin: not applicable. Functional consequence: retained intron. Not counted in ClinVar's aggregate classification.

Dr. Peter K. Rogan Lab, Western University
No classification provided (evidence only). Condition: Cholangiocarcinoma. Review status: no classification provided. Collection method: in vitro. Allele origin: not applicable. Functional consequence: retained intron. Not counted in ClinVar's aggregate classification.

Dr. Peter K. Rogan Lab, Western University
No classification provided (evidence only). Condition: Malignant tumor of esophagus. Review status: no classification provided. Collection method: in vitro. Allele origin: not applicable. Functional consequence: retained intron. Not counted in ClinVar's aggregate classification.